The following is an entry in ClinVar:

NM_001919.4(ECI1):c.276C>T (p.Arg92=)

Gene: ECI1 (enoyl-CoA delta isomerase 1; minus strand). Cytogenetic location: 16p13.3.
Variant type: single nucleotide variant.
Coding change: c.276C>T on transcript NM_001919.4 (MANE Select); coding-DNA position 276, C replaced by T.
Protein change: p.Arg92=; no amino-acid change (arginine 92 retained).
Molecular consequence: synonymous variant.
Genome position (GRCh38, 1-based): chr16:2,246,877, G>A on the plus strand (C>T on the coding strand, the complement: ECI1 is on the minus strand). VCF-style: chr16-2246877-G-A. GRCh37 (hg19) VCF-style: chr16-2296878-G-A.
Other names: p.Arg92=; c.276C>T, p.Arg92= (NM_001178029.2).
Identifiers: ClinVar variation 4684062 (VCV004684062.1).

ClinVar aggregate classification (germline): Likely benign (1 of 4 stars; one submission).

gnomAD v4.1: 1,912 of 1,613,134 alleles (0.12%); highest among the groups gnomAD compares: Non-Finnish European, 0.15%; 4 homozygotes.

Submission:

Mayo Clinic Laboratories, Mayo Clinic
Classification: Likely benign. Last evaluated: 2024-12-05. Review status: criteria provided, single submitter. Criteria: ACMG Guidelines, 2015. Collection method: clinical testing. Allele origin: germline. Observed: 2 variant alleles.
Comment: BP4, BP7